The following is an entry in ClinVar:

ClinVar aggregate classification (germline): Uncertain significance. Review status: criteria provided, multiple submitters, no conflicts (2 of 4 stars). 3 submissions from 3 submitters: Uncertain significance (3). Last evaluated 2026-05-20.

Conditions:
Inborn genetic diseases. Identifiers: MedGen C0950123, MeSH D030342.

gnomAD v4.1: 17 of 1,613,158 alleles (0.0011%); highest among the groups gnomAD compares: African/African-American, 0.013%; no homozygotes.

Submissions (3):

Women's Health and Genetics/Laboratory Corporation of America, LabCorp
Classification: Uncertain significance. Last evaluated: 2026-05-20. Review status: criteria provided, single submitter. Criteria: LabCorp Variant Classification Summary - May 2015. Collection method: clinical testing. Allele origin: germline.
Comment: Variant summary: FMN2 c.5042A>G (p.Lys1681Arg) results in a conservative amino acid change in the encoded protein sequence. Algorithms developed to predict the effect of missense changes on protein structure and function are either unavailable or do not agree on the potential impact of this missense change. The variant allele was found at a frequency of 8e-06 in 250090 control chromosomes. The available data on variant occurrences in the general population are insufficient to allow any conclusion about variant significance. To our knowledge, no occurrence of c.5042A>G in individuals affected with FMN2-related conditions and no experimental evidence demonstrating its impact on protein function have been reported. ClinVar contains an entry for this variant (Variation ID: 3340351). Based on the evidence outlined above, the variant was classified as uncertain significance.

Ambry Genetics
Classification: Uncertain significance for Inborn genetic diseases. Last evaluated: 2025-08-26. Review status: criteria provided, single submitter. Criteria: Ambry Variant Classification Scheme 2023. Collection method: clinical testing. Allele origin: germline.

GeneDx
Classification: Uncertain significance. Last evaluated: 2024-02-08. Review status: criteria provided, single submitter. Criteria: GeneDx Variant Classification Process June 2021. Collection method: clinical testing. Allele origin: germline. Affected: yes.
Comment: In silico analysis supports that this missense variant has a deleterious effect on protein structure/function; Has not been previously published as pathogenic or benign to our knowledge

NM_020066.5(FMN2):c.5042A>G (p.Lys1681Arg)

Gene: FMN2 (formin 2; plus strand). Cytogenetic location: 1q43.
Variant type: single nucleotide variant.
Coding change: c.5042A>G on transcript NM_020066.5 (MANE Select); coding-DNA position 5042, A replaced by G.
Protein change: p.Lys1681Arg; replaces lysine 1681 with arginine.
Molecular consequence: missense variant.
Genome position (GRCh38, 1-based): chr1:240,438,192, A>G. VCF-style: chr1-240438192-A-G. GRCh37 (hg19) VCF-style: chr1-240601492-A-G.
Other names: c.5054A>G, p.Lys1685Arg (NM_001305424.2); c.2870A>G, p.Lys957Arg (NM_001348094.2); short protein forms K1681R, K1685R, K957R.
Identifiers: ClinVar variation 3340351 (VCV003340351.3).